The following is an entry in ClinVar:

ClinVar aggregate classification (germline): Uncertain significance (1 of 4 stars; one submission).

Submission:

Labcorp Genetics (formerly Invitae), Labcorp
Classification: Uncertain significance. Last evaluated: 2022-08-16. Review status: criteria provided, single submitter. Criteria: Invitae Variant Classification Sherloc (09022015). Collection method: clinical testing. Allele origin: germline.
Comment: Algorithms developed to predict the effect of missense changes on protein structure and function (SIFT, PolyPhen-2, Align-GVGD) all suggest that this variant is likely to be tolerated. This sequence change replaces proline, which is neutral and non-polar, with serine, which is neutral and polar, at codon 94 of the TK2 protein (p.Pro94Ser). This variant is not present in population databases (gnomAD no frequency). This variant has not been reported in the literature in individuals affected with TK2-related conditions. ClinVar contains an entry for this variant (Variation ID: 1368268). In summary, the available evidence is currently insufficient to determine the role of this variant in disease. Therefore, it has been classified as a Variant of Uncertain Significance.

NM_004614.5(TK2):c.280C>T (p.Pro94Ser)

Gene: TK2 (thymidine kinase 2; minus strand). Cytogenetic location: 16q21.
Variant type: single nucleotide variant.
Coding change: c.280C>T on transcript NM_004614.5 (MANE Select); coding-DNA position 280, C replaced by T.
Protein change: p.Pro94Ser; replaces proline 94 with serine.
Molecular consequence: missense variant. On other transcripts: 5 prime UTR variant (1), non-coding transcript variant (1), intron variant (1).
Genome position (GRCh38, 1-based): chr16:66,536,969, G>A on the plus strand (C>T on the coding strand, the complement: TK2 is on the minus strand). VCF-style: chr16-66536969-G-A. GRCh37 (hg19) VCF-style: chr16-66570872-G-A.
Other names: c.187C>T, p.Pro63Ser (NM_001172643.1, NM_001271935.1); c.205C>T, p.Pro69Ser (NM_001172644.2); c.133C>T, p.Pro45Ser (NM_001271934.2); c.-12C>T (NM_001272050.2); c.231+4910C>T (NM_001172645.2); short protein forms P94S, P45S, P63S, P69S.
Identifiers: ClinVar variation 1368268 (VCV001368268.6), dbSNP rs1965304337, ClinGen allele CA396191472.